The following is an entry in ClinVar:

ClinVar aggregate classification (germline): Uncertain significance. Review status: criteria provided, multiple submitters, no conflicts (2 of 4 stars). 2 submissions from 2 submitters: Uncertain significance (2). Last evaluated 2024-11-15.

Conditions:
Familial sleep-related hypermotor epilepsy. Also called: Autosomal Dominant Sleep-Related Hypermotor (Hyperkinetic) Epilepsy. Identifiers: Orphanet 98784, MedGen C3696898, MONDO:0000030.

Allele frequency attached by ClinVar (database versions not stated): gnomAD 0.00002; TOPMed 0.00002.
gnomAD v4.1: 9 of 1,613,962 alleles (0.00056%); highest among the groups gnomAD compares: African/African-American, 0.0013%; no homozygotes.

Submissions (2):

Labcorp Genetics (formerly Invitae), Labcorp
Classification: Uncertain significance. Last evaluated: 2024-11-15. Review status: criteria provided, single submitter. Criteria: Invitae Variant Classification Sherloc (09022015). Collection method: clinical testing. Allele origin: germline.
Comment: This sequence change replaces glycine, which is neutral and non-polar, with arginine, which is basic and polar, at codon 25 of the CHRNA2 protein (p.Gly25Arg). This variant also falls at the last nucleotide of exon 2, which is part of the consensus splice site for this exon. This variant is not present in population databases (gnomAD no frequency). This variant has not been reported in the literature in individuals affected with CHRNA2-related conditions. This missense change has been observed in at least one individual who was not affected with CHRNA2-related conditions (internal data). ClinVar contains an entry for this variant (Variation ID: 423649). An algorithm developed to predict the effect of missense changes on protein structure and function (PolyPhen-2) suggests that this variant is likely to be tolerated. Variants that disrupt the consensus splice site are a relatively common cause of aberrant splicing (PMID: 17576681, 9536098). Algorithms developed to predict the effect of sequence changes on RNA splicing suggest that this variant may disrupt the consensus splice site. In summary, the available evidence is currently insufficient to determine the role of this variant in disease. Therefore, it has been classified as a Variant of Uncertain Significance.

GeneDx
Classification: Uncertain significance. Last evaluated: 2017-03-03. Review status: criteria provided, single submitter. Criteria: GeneDx Variant Classification (06012015). Collection method: clinical testing. Allele origin: germline. Affected: yes.
Comment: A variant of uncertain significance has been identified in the CHRNA2 gene. The G25R variant has not been published as a pathogenic variant, nor has it been reported as a benign variant to our knowledge. The G25R variant is not observed in large population cohorts (Lek et al., 2016; 1000 Genomes Consortium et al., 2015; Exome Variant Server). The G25R variant is a non-conservative amino acid substitution, which is likely to impact secondary protein structure as these residues differ in polarity, charge, size and/or other properties. In silico analysis predicts this variant is probably damaging to the protein structure/function. However, this substitution occurs at a position that is not conserved, and this amino acid substitution is not predicted to occur within the transmembrane region of the protein where the vast majority of pathogenic missense variants have been identified in association with epilepsy (Kurahashi and Hirose, 2015). Therefore, based on the currently available information, it is unclear whether this variant is a pathogenic variant or a rare benign variant.

Literature cited by the submitters: PubMed 17576681 (cited by Labcorp Genetics (formerly Invitae), Labcorp); PubMed 9536098 (cited by Labcorp Genetics (formerly Invitae), Labcorp).

NM_000742.4(CHRNA2):c.73G>C (p.Gly25Arg)

Gene: CHRNA2 (cholinergic receptor nicotinic alpha 2 subunit; minus strand). Cytogenetic location: 8p21.2.
Variant type: single nucleotide variant.
Coding change: c.73G>C on transcript NM_000742.4 (MANE Select); coding-DNA position 73, G replaced by C.
Protein change: p.Gly25Arg; replaces glycine 25 with arginine.
Molecular consequence: missense variant. On other transcripts: 5 prime UTR variant (4).
Genome position (GRCh38, 1-based): chr8:27,470,986, C>G on the plus strand (G>C on the coding strand, the complement: CHRNA2 is on the minus strand). VCF-style: chr8-27470986-C-G. GRCh37 (hg19) VCF-style: chr8-27328503-C-G.
Other names: c.73G>C, p.Gly25Arg (NM_001282455.2); c.-355G>C (NM_001347705.2); c.-400G>C (NM_001347706.2); c.-341G>C (NM_001347707.2); c.-389G>C (NM_001347708.2); short protein forms G25R.
Identifiers: ClinVar variation 423649 (VCV000423649.4), dbSNP rs1064796550, ClinGen allele CA16618627.